The following is an entry in ClinVar:

ClinVar aggregate classification (germline): Uncertain significance. Review status: criteria provided, multiple submitters, no conflicts (2 of 4 stars). 2 submissions from 2 submitters: Uncertain significance (2). Last evaluated 2025-08-27.

Allele frequency attached by ClinVar (database versions not stated): gnomAD exomes 0.00001; ExAC 0.00002.
gnomAD v4.1: 23 of 1,613,684 alleles (0.0014%); highest among the groups gnomAD compares: Middle Eastern, 0.033%; no homozygotes.

Submissions (2):

Ambry Genetics
Classification: Uncertain significance. Last evaluated: 2025-08-27. Review status: criteria provided, single submitter. Criteria: Ambry Variant Classification Scheme 2023. Collection method: clinical testing. Allele origin: germline.

Labcorp Genetics (formerly Invitae), Labcorp
Classification: Uncertain significance. Last evaluated: 2024-12-03. Review status: criteria provided, single submitter. Criteria: Invitae Variant Classification Sherloc (09022015). Collection method: clinical testing. Allele origin: germline.
Comment: This sequence change replaces lysine, which is basic and polar, with threonine, which is neutral and polar, at codon 238 of the CLCN6 protein (p.Lys238Thr). This variant is present in population databases (rs773027731, gnomAD 0.002%). This variant has not been reported in the literature in individuals affected with CLCN6-related conditions. ClinVar contains an entry for this variant (Variation ID: 1400369). An algorithm developed to predict the effect of missense changes on protein structure and function (PolyPhen-2) suggests that this variant is likely to be disruptive. In summary, the available evidence is currently insufficient to determine the role of this variant in disease. Therefore, it has been classified as a Variant of Uncertain Significance.

NM_001286.5(CLCN6):c.713A>C (p.Lys238Thr)

Gene: CLCN6 (chloride voltage-gated channel 6; plus strand). Cytogenetic location: 1p36.22.
Variant type: single nucleotide variant.
Coding change: c.713A>C on transcript NM_001286.5 (MANE Select); coding-DNA position 713, A replaced by C.
Protein change: p.Lys238Thr; replaces lysine 238 with threonine.
Molecular consequence: missense variant.
Genome position (GRCh38, 1-based): chr1:11,827,094, A>C. VCF-style: chr1-11827094-A-C. GRCh37 (hg19) VCF-style: chr1-11887151-A-C.
Other names: c.647A>C, p.Lys216Thr (NM_001256959.2); c.713A>C (NM_001286.2); short protein forms K216T, K238T.
Identifiers: ClinVar variation 1400369 (VCV001400369.10), dbSNP rs773027731, ClinGen allele CA596219.